The following is an entry in ClinVar:

ClinVar aggregate classification (germline): Conflicting classifications of pathogenicity. Review status: criteria provided, conflicting classifications (1 of 4 stars). 2 submissions from 2 submitters: Uncertain significance (1); Likely benign (1). Last evaluated 2025-08-06.

Conditions:
Inborn genetic diseases. Identifiers: MedGen C0950123, MeSH D030342.
Frasier syndrome. Identifiers: Orphanet 347, MedGen C0950122, MeSH D052159, MONDO:0007635, OMIM 136680.
Drash syndrome (DDS). Also called: NEPHROPATHY, WILMS TUMOR, AND GENITAL ANOMALIES; WILMS TUMOR AND PSEUDO- OR TRUE HERMAPHRODITISM. Identifiers: Orphanet 220, MedGen C0950121, MONDO:0008682, OMIM 194080.
Wilms tumor 1 (WT1). Also called: Wilms tumor, somatic. Identifiers: Orphanet 654, MedGen CN033288, MONDO:0008679, OMIM 194070.
11p partial monosomy syndrome (WAGR). Also called: WAGR syndrome; WAGR Complex; CHROMOSOME 11p13 DELETION SYNDROME; WAGR Spectrum Disorder. Identifiers: Orphanet 893, MedGen C0206115, MONDO:0008681, OMIM 194072.

gnomAD v4.1: 11 of 1,532,246 alleles (0.00072%); highest among the groups gnomAD compares: Non-Finnish European, 0.00096%; no homozygotes.

Submissions (2):

Ambry Genetics
Classification: Likely benign for Inborn genetic diseases. Last evaluated: 2025-08-06. Review status: criteria provided, single submitter. Criteria: Ambry Variant Classification Scheme 2023. Collection method: clinical testing. Allele origin: germline.

Labcorp Genetics (formerly Invitae), Labcorp
Classification: Uncertain significance for Wilms tumor 1; Drash syndrome; 11p partial monosomy syndrome; Frasier syndrome. Last evaluated: 2023-03-24. Review status: criteria provided, single submitter. Criteria: Invitae Variant Classification Sherloc (09022015). Collection method: clinical testing. Allele origin: germline.
Comment: In summary, the available evidence is currently insufficient to determine the role of this variant in disease. Therefore, it has been classified as a Variant of Uncertain Significance. An algorithm developed to predict the effect of missense changes on protein structure and function (PolyPhen-2) suggests that this variant is likely to be tolerated. ClinVar contains an entry for this variant (Variation ID: 569272). This missense change has been observed in individual(s) with gonadal failure (PMID: 30668521). This variant is not present in population databases (gnomAD no frequency). This sequence change replaces proline, which is neutral and non-polar, with arginine, which is basic and polar, at codon 4 of the WT1 protein (p.Pro4Arg).

Literature cited by the submitters: PubMed 30668521 (cited by Labcorp Genetics (formerly Invitae), Labcorp).

NM_024426.6(WT1):c.26C>G (p.Pro9Arg)

Genes: WT1 (WT1 transcription factor; minus strand), LOC107982234 (WT1/WT1-AS bi-directional promoter region; plus strand). Cytogenetic location: 11p13.
Variant type: single nucleotide variant.
Coding change: c.26C>G on transcript NM_024426.6 (MANE Select); coding-DNA position 26, C replaced by G.
Protein change: p.Pro9Arg; replaces proline 9 with arginine.
Molecular consequence: missense variant. On other transcripts: non-coding transcript variant (1).
Genome position (GRCh38, 1-based): chr11:32,435,335, G>C on the plus strand (C>G on the coding strand, the complement: WT1 is on the minus strand). VCF-style: chr11-32435335-G-C. GRCh37 (hg19) VCF-style: chr11-32456881-G-C.
Other names: c.26C>G, p.Pro9Arg (NM_000378.6, NM_024424.5); short protein forms P9R.
Identifiers: ClinVar variation 569272 (VCV000569272.8), dbSNP rs948132360, ClinGen allele CA379966539.